The following is an entry in ClinVar:

ClinVar aggregate classification (germline): Conflicting classifications of pathogenicity. Review status: criteria provided, conflicting classifications (1 of 4 stars). 4 submissions from 4 submitters: Uncertain significance (2); Likely benign (1). 1 of the submissions does not count toward it. Last evaluated 2026-01-22.

Conditions:
Inborn genetic diseases. Identifiers: MedGen C0950123, MeSH D030342.
TRIOBP-related disorder. Also called: TRIOBP-related condition.

Allele frequency attached by ClinVar (database versions not stated): gnomAD exomes 0.00022; ExAC 0.00028; gnomAD 0.00028 and 0.00029; TOPMed 0.00029; 1000 Genomes Project 0.00060; 1000 Genomes Project 30x 0.00062.
gnomAD v4.1: 194 of 1,532,096 alleles (0.013%); highest among the groups gnomAD compares: East Asian, 0.15%; 1 homozygote.

Submissions (4):

Labcorp Genetics (formerly Invitae), Labcorp
Classification: Likely benign. Last evaluated: 2026-01-22. Review status: criteria provided, single submitter. Criteria: Invitae Variant Classification Sherloc (09022015). Collection method: clinical testing. Allele origin: germline.

Blueprint Genetics
Classification: Uncertain significance. Last evaluated: 2024-11-27. Review status: criteria provided, single submitter. Criteria: ACMG Guidelines, 2015. Collection method: clinical testing. Allele origin: germline.

Ambry Genetics
Classification: Uncertain significance for Inborn genetic diseases. Last evaluated: 2021-06-22. Review status: criteria provided, single submitter. Criteria: Ambry Variant Classification Scheme 2023. Collection method: clinical testing. Allele origin: germline.

PreventionGenetics, part of Exact Sciences
Classification: Likely benign for TRIOBP-related condition. Last evaluated: 2022-12-12. Review status: no assertion criteria provided. Collection method: clinical testing. Allele origin: germline. Not counted in ClinVar's aggregate classification.
Comment: This variant is classified as likely benign based on ACMG/AMP sequence variant interpretation guidelines (Richards et al. 2015 PMID: 25741868, with internal and published modifications).

NM_001039141.3(TRIOBP):c.3926G>A (p.Arg1309His)

Gene: TRIOBP (TRIO and F-actin binding protein; plus strand). Cytogenetic location: 22q13.1.
Variant type: single nucleotide variant.
Coding change: c.3926G>A on transcript NM_001039141.3 (MANE Select); coding-DNA position 3926, G replaced by A.
Protein change: p.Arg1309His; replaces arginine 1309 with histidine.
Molecular consequence: missense variant.
Genome position (GRCh38, 1-based): chr22:37,726,482, G>A. VCF-style: chr22-37726482-G-A. GRCh37 (hg19) VCF-style: chr22-38122489-G-A.
Other names: c.3926G>A (NM_001039141.2); short protein forms R1309H.
Identifiers: ClinVar variation 1628189 (VCV001628189.12), dbSNP rs371543013, ClinGen allele CA10224259.
Genomic context (GRCh38, chr22:37,726,482, plus strand): 5'-CCCAGGCGCAGTGCAGCAGCGGGGGCCGCACCCACAGCCCTGGCCGTGCAGAGGTGGAGC[G>A]CCTCTTCGGGCAAGAGCGCAGGTGAGCCCGGGGGTGGGGTCAGCCAGGTGGGCTGGGGAG-3'
Protein context (NP_001034230.1, residues 1299-1319): THSPGRAEVE[Arg1309His]LFGQERRKSE